The following is an entry in ClinVar:

ClinVar aggregate classification (germline): Uncertain significance. Review status: criteria provided, multiple submitters, no conflicts (2 of 4 stars). 2 submissions from 2 submitters: Uncertain significance (2). Last evaluated 2023-10-19.

Conditions:
Hereditary cancer-predisposing syndrome. Also called: Hereditary Cancer Syndrome; Tumor predisposition; Hereditary neoplastic syndrome; Neoplastic Syndromes, Hereditary. Identifiers: Orphanet 140162, MedGen C0027672, MeSH D009386, MONDO:0015356.

gnomAD v4.1: 1 of 1,611,770 alleles (0.000062%); highest among the groups gnomAD compares: African/African-American, 0.0013%; no homozygotes.

Submissions (2):

Ambry Genetics
Classification: Uncertain significance for Hereditary cancer-predisposing syndrome. Last evaluated: 2023-10-19. Review status: criteria provided, single submitter. Criteria: Ambry Variant Classification Scheme 2023. Collection method: clinical testing. Allele origin: germline.
Comment: The p.D434G variant (also known as c.1301A>G), located in coding exon 9 of the RAD50 gene, results from an A to G substitution at nucleotide position 1301. The aspartic acid at codon 434 is replaced by glycine, an amino acid with similar properties. This amino acid position is conserved. In addition, the in silico prediction for this alteration is inconclusive. Since supporting evidence is limited at this time, the clinical significance of this alteration remains unclear.

Labcorp Genetics (formerly Invitae), Labcorp
Classification: Uncertain significance for Hereditary cancer-predisposing syndrome. Last evaluated: 2020-06-21. Review status: criteria provided, single submitter. Criteria: Invitae Variant Classification Sherloc (09022015). Collection method: clinical testing. Allele origin: germline.
Comment: Algorithms developed to predict the effect of missense changes on protein structure and function are either unavailable or do not agree on the potential impact of this missense change (SIFT: "Tolerated"; PolyPhen-2: "Possibly Damaging"; Align-GVGD: "Class C0"). This variant has not been reported in the literature in individuals with RAD50-related conditions. This variant is not present in population databases (ExAC no frequency). This sequence change replaces aspartic acid with glycine at codon 434 of the RAD50 protein (p.Asp434Gly). The aspartic acid residue is moderately conserved and there is a moderate physicochemical difference between aspartic acid and glycine. Algorithms developed to predict the effect of sequence changes on RNA splicing suggest that this variant may create or strengthen a splice site, but this prediction has not been confirmed by published transcriptional studies. In summary, the available evidence is currently insufficient to determine the role of this variant in disease. Therefore, it has been classified as a Variant of Uncertain Significance.

NM_005732.4(RAD50):c.1301A>G (p.Asp434Gly)

Gene: RAD50 (RAD50 double strand break repair protein; plus strand). Cytogenetic location: 5q31.1.
Variant type: single nucleotide variant.
Coding change: c.1301A>G on transcript NM_005732.4 (MANE Select); coding-DNA position 1301, A replaced by G.
Protein change: p.Asp434Gly; replaces aspartic acid 434 with glycine.
Molecular consequence: missense variant.
Genome position (GRCh38, 1-based): chr5:132,589,686, A>G. VCF-style: chr5-132589686-A-G. GRCh37 (hg19) VCF-style: chr5-131925378-A-G.
Other names: c.1301A>G (NM_005732.3); short protein forms D434G.
Identifiers: ClinVar variation 1046166 (VCV001046166.10), dbSNP rs767816754, ClinGen allele CA360943728.